The following is an entry in ClinVar:

ClinVar aggregate classification (germline): Likely benign. Review status: criteria provided, single submitter (1 of 4 stars). 2 submissions from 2 submitters: Likely benign (1). 1 of the submissions does not count toward it. Last evaluated 2024-03-01.

Conditions:
FANCD2-related disorder. Also called: FANCD2-related condition.
Fanconi anemia (FA). Also called: Fanconi's anemia. Identifiers: Orphanet 84, MedGen C0015625, MeSH D005199, MONDO:0019391.

Allele frequency attached by ClinVar (database versions not stated): ExAC 0.00002; gnomAD 0.00003 and 0.00004.
gnomAD v4.1: 11 of 1,597,382 alleles (0.00069%); highest among the groups gnomAD compares: Non-Finnish European, 0.00077%; no homozygotes.

Submissions (2):

Labcorp Genetics (formerly Invitae), Labcorp
Classification: Likely benign for Fanconi anemia. Last evaluated: 2024-03-01. Review status: criteria provided, single submitter. Criteria: Invitae Variant Classification Sherloc (09022015). Collection method: clinical testing. Allele origin: germline.

PreventionGenetics, part of Exact Sciences
Classification: Likely benign for FANCD2-related condition. Last evaluated: 2021-04-20. Review status: no assertion criteria provided. Collection method: clinical testing. Allele origin: germline. Not counted in ClinVar's aggregate classification.
Comment: This variant is classified as likely benign based on ACMG/AMP sequence variant interpretation guidelines (Richards et al. 2015 PMID: 25741868, with internal and published modifications).

NM_001018115.3(FANCD2):c.1134+10A>G

Genes: FANCD2 (FA complementation group D2; plus strand), LOC107303338 (3p25 FANCD2 Alu-mediated recombination region; plus strand). Cytogenetic location: 3p25.3.
Variant type: single nucleotide variant.
Coding change: c.1134+10A>G on transcript NM_001018115.3 (MANE Select); 10 bases into the intron after coding-DNA position 1134, A replaced by G.
Molecular consequence: intron variant.
Genome position (GRCh38, 1-based): chr3:10,043,874, A>G. VCF-style: chr3-10043874-A-G. GRCh37 (hg19) VCF-style: chr3-10085558-A-G.
Other names: c.1134+10A>G (NM_001319984.2, NM_001374253.1, NM_033084.6 and 2 more transcripts).
Identifiers: ClinVar variation 414646 (VCV000414646.10), dbSNP rs758751922, ClinGen allele CA2249507.